The following is an entry in ClinVar:

ClinVar aggregate classification (germline): Benign/Likely benign. Review status: criteria provided, multiple submitters, no conflicts (2 of 4 stars). 7 submissions from 7 submitters: Benign (4); Likely benign (3). Last evaluated 2025-12-25.

Conditions:
Microcephaly 7, primary, autosomal recessive. Identifiers: Orphanet 2512, MedGen C2675187, MONDO:0012989, OMIM 612703.

Allele frequency attached by ClinVar (database versions not stated): gnomAD exomes 0.00301; ExAC 0.00385; gnomAD 0.01074 and 0.01146; 1000 Genomes Project 0.01218; 1000 Genomes Project 30x 0.01265; TOPMed 0.01271; ESP Exome Variant Server 0.01276.
gnomAD v4.1: 3,425 of 1,614,220 alleles (0.21%); highest among the groups gnomAD compares: African/African-American, 3.9%; 49 homozygotes.

Submissions (7):

Labcorp Genetics (formerly Invitae), Labcorp
Classification: Benign. Last evaluated: 2025-12-25. Review status: criteria provided, single submitter. Criteria: Invitae Variant Classification Sherloc (09022015). Collection method: clinical testing. Allele origin: germline.

Fulgent Genetics
Classification: Likely benign for Microcephaly 7, primary, autosomal recessive. Last evaluated: 2021-09-28. Review status: criteria provided, single submitter. Criteria: ACMG Guidelines, 2015. Collection method: clinical testing. Allele origin: unknown.

Illumina Laboratory Services, Illumina
Classification: Benign for Microcephaly 7, primary, autosomal recessive. Last evaluated: 2017-04-27. Review status: criteria provided, single submitter. Criteria: ICSL Variant Classification Criteria 13 December 2019. Collection method: clinical testing. Allele origin: germline.
Comment: This variant was observed as part of a predisposition screen in an ostensibly healthy population. A literature search was performed for the gene, cDNA change, and amino acid change (where applicable). Publications were found based on this search. The evidence from the literature, in combination with allele frequency data from public databases where available, was sufficient to rule this variant out of causing disease. Therefore, this variant is classified as benign.

Center for Pediatric Genomic Medicine, Children's Mercy Hospital and Clinics
Classification: Likely benign. Last evaluated: 2015-10-27. Review status: criteria provided, single submitter. Criteria: ACMG Guidelines, 2015. Collection method: clinical testing. Allele origin: germline.
ClinVar note: Converted during submission from Likely Benign to Likely benign.

GeneDx
Classification: Benign. Last evaluated: 2015-09-18. Review status: criteria provided, single submitter. Criteria: GeneDx Variant Classification (06012015). Collection method: clinical testing. Allele origin: germline. Affected: yes.
Comment: This variant is considered likely benign or benign based on one or more of the following criteria: it is a conservative change, it occurs at a poorly conserved position in the protein, it is predicted to be benign by multiple in silico algorithms, and/or has population frequency not consistent with disease.

Genetic Services Laboratory, University of Chicago
Classification: Benign. Last evaluated: 2013-02-08. Review status: criteria provided, single submitter. Criteria: ACMG Guidelines, 2007. Collection method: clinical testing. Allele origin: germline. Inheritance: Autosomal recessive inheritance.

Breakthrough Genomics
Classification: Likely benign. Review status: criteria provided, single submitter. Criteria: ACMG Guidelines, 2015. Collection method: not provided. Allele origin: germline. Inheritance: Autosomal recessive inheritance. Affected: yes.

Literature cited by the submitters: PubMed 23772360 (cited by Illumina Laboratory Services, Illumina).

NM_001048166.1(STIL):c.2017A>G (p.Ser673Gly)

Gene: STIL (STIL centriolar assembly protein; minus strand). Cytogenetic location: 1p33.
Variant type: single nucleotide variant.
Coding change: c.2017A>G on transcript NM_001048166.1 (MANE Select); coding-DNA position 2017, A replaced by G.
Protein change: p.Ser673Gly; replaces serine 673 with glycine.
Molecular consequence: missense variant.
Genome position (GRCh38, 1-based): chr1:47,280,441, T>C on the plus strand (A>G on the coding strand, the complement: STIL is on the minus strand). VCF-style: chr1-47280441-T-C. GRCh37 (hg19) VCF-style: chr1-47746113-T-C.
Other names: c.2017A>G, p.Ser673Gly (NM_001282936.1, NM_001282937.1, NM_003035.2); c.1876A>G, p.Ser626Gly (NM_001282938.1, NM_001282939.1); short protein forms S673G, S626G.
Identifiers: ClinVar variation 160053 (VCV000160053.22), dbSNP rs140448154, ClinGen allele CA173620.